The following is an entry in ClinVar:

ClinVar aggregate classification (germline): Uncertain significance (1 of 4 stars; one submission).

Allele frequency attached by ClinVar (database versions not stated): gnomAD exomes below 0.00001; TOPMed below 0.00001; gnomAD 0.00001.
gnomAD v4.1: 2 of 1,613,996 alleles (0.00012%); highest among the groups gnomAD compares: Non-Finnish European, 0.00017%; no homozygotes.

Submission:

Labcorp Genetics (formerly Invitae), Labcorp
Classification: Uncertain significance. Last evaluated: 2022-10-31. Review status: criteria provided, single submitter. Criteria: Invitae Variant Classification Sherloc (09022015). Collection method: clinical testing. Allele origin: germline.
Comment: This sequence change creates a premature translational stop signal (p.Lys251*) in the ALPK1 gene. It is expected to result in an absent or disrupted protein product. However, the current clinical and genetic evidence is not sufficient to establish whether loss-of-function variants in ALPK1 cause disease. This variant is not present in population databases (gnomAD no frequency). This variant has not been reported in the literature in individuals affected with ALPK1-related conditions. In summary, the available evidence is currently insufficient to determine the role of this variant in disease. Therefore, it has been classified as a Variant of Uncertain Significance.

NM_025144.4(ALPK1):c.751A>T (p.Lys251Ter)

Gene: ALPK1 (alpha kinase 1; plus strand). Cytogenetic location: 4q25.
Variant type: single nucleotide variant.
Coding change: c.751A>T on transcript NM_025144.4 (MANE Select); coding-DNA position 751, A replaced by T.
Protein change: p.Lys251Ter; replaces lysine 251 with a stop codon.
Molecular consequence: nonsense.
Genome position (GRCh38, 1-based): chr4:112,427,621, A>T. VCF-style: chr4-112427621-A-T. GRCh37 (hg19) VCF-style: chr4-113348777-A-T.
Other names: c.751A>T, p.Lys251Ter (NM_001102406.2); c.517A>T, p.Lys173Ter (NM_001253884.2); short protein forms K173*, K251*.
Identifiers: ClinVar variation 2908064 (VCV002908064.3), dbSNP rs1283520761, ClinGen allele CA357888416.